The following is an entry in ClinVar:

NM_000264.5(PTCH1):c.3631C>T (p.Pro1211Ser)

Gene: PTCH1 (patched 1; minus strand). Cytogenetic location: 9q22.32.
Variant type: single nucleotide variant.
Coding change: c.3631C>T on transcript NM_000264.5 (MANE Select); coding-DNA position 3631, C replaced by T.
Protein change: p.Pro1211Ser; replaces proline 1211 with serine.
Molecular consequence: missense variant. On other transcripts: non-coding transcript variant (1).
Genome position (GRCh38, 1-based): chr9:95,449,242, G>A on the plus strand (C>T on the coding strand, the complement: PTCH1 is on the minus strand). VCF-style: chr9-95449242-G-A. GRCh37 (hg19) VCF-style: chr9-98211524-G-A.
Other names: c.3433C>T, p.Pro1145Ser (NM_001083602.3); c.3628C>T, p.Pro1210Ser (NM_001083603.3); c.3178C>T, p.Pro1060Ser (NM_001083604.3, NM_001083605.3, NM_001083606.3 and 1 more transcripts); c.3475C>T, p.Pro1159Ser (NM_001354918.2); c.3631C>T (NM_000264.4); short protein forms P1145S, P1211S, P1159S, P1060S, P1210S.
Identifiers: ClinVar variation 220525 (VCV000220525.21), dbSNP rs139495263, ClinGen allele CA348197.

ClinVar aggregate classification (germline): Conflicting classifications of pathogenicity. Review status: criteria provided, conflicting classifications (1 of 4 stars). 7 submissions from 7 submitters: Uncertain significance (3); Likely benign (4). Last evaluated 2026-01-29.

Conditions:
Holoprosencephaly 7 (HPE7). Identifiers: Orphanet 2162, MedGen C1835820, MONDO:0012562, OMIM 610828.
Basal cell nevus syndrome 1 (BCNS1). Also called: GORLIN-GOLTZ SYNDROME; MULTIPLE BASAL CELL NEVI, ODONTOGENIC KERATOCYSTS, AND SKELETAL ANOMALIES. Identifiers: MedGen CN376810, MONDO:0958174, OMIM 109400.
Basal cell carcinoma, susceptibility to, 1. Also called: BCC1. Identifiers: MedGen C2751544, MONDO:0011556, OMIM 605462.
Hereditary cancer-predisposing syndrome. Also called: Neoplastic Syndromes, Hereditary; Tumor predisposition; Hereditary Cancer Syndrome; Hereditary neoplastic syndrome. Identifiers: Orphanet 140162, MedGen C0027672, MeSH D009386, MONDO:0015356.
Gorlin syndrome. Also called: Nevoid Basal Cell Carcinoma Syndrome; Basal cell nevus syndrome. Identifiers: Orphanet 377, MedGen C0004779, MONDO:0007187.
PTCH1-related disorder. Also called: PTCH1-related disorders; PTCH1-related condition.

Allele frequency attached by ClinVar (database versions not stated): gnomAD 0.00002; TOPMed 0.00003; gnomAD exomes 0.00007; ExAC 0.00010; ESP Exome Variant Server 0.00015.
gnomAD v4.1: 43 of 1,581,312 alleles (0.0027%); highest among the groups gnomAD compares: Middle Eastern, 0.017%; no homozygotes.

Submissions (7):

Labcorp Genetics (formerly Invitae), Labcorp
Classification: Likely benign for Gorlin syndrome. Last evaluated: 2026-01-29. Review status: criteria provided, single submitter. Criteria: Invitae Variant Classification Sherloc (09022015). Collection method: clinical testing. Allele origin: germline.

Center for Genomic Medicine, Rigshospitalet, Copenhagen University Hospital
Classification: Uncertain significance. Last evaluated: 2025-12-29. Review status: criteria provided, single submitter. Criteria: ACMG Guidelines, 2015. Collection method: clinical testing. Allele origin: germline.

PreventionGenetics, part of Exact Sciences
Classification: Likely benign for PTCH1-related condition. Last evaluated: 2025-11-10. Review status: criteria provided, single submitter. Criteria: ACMG Guidelines, 2015. Collection method: clinical testing. Allele origin: germline.
Comment: This variant is classified as likely benign based on ACMG/AMP sequence variant interpretation guidelines (Richards et al. 2015 PMID: 25741868, with internal and published modifications).

Quest Diagnostics Nichols Institute San Juan Capistrano
Classification: Uncertain significance. Last evaluated: 2025-10-08. Review status: criteria provided, single submitter. Criteria: Quest Diagnostics criteria. Collection method: clinical testing. Allele origin: unknown.
Comment: The PTCH1 c.3631C>T (p.Pro1211Ser) variant has not been reported in individuals with PTCH1-related conditions in the published literature. The frequency of this variant in the general population (Genome Aggregation Database) is higher than would generally be expected for pathogenic variants in this gene. Analysis of this variant using bioinformatics tools for the prediction of the effect of amino acid changes on protein structure and function yielded conflicting predictions that this variant is benign or damaging. Based on the available information, we are unable to determine the clinical significance of this variant.

Fulgent Genetics
Classification: Uncertain significance for Basal cell nevus syndrome 1; Basal cell carcinoma, susceptibility to, 1; Holoprosencephaly 7. Last evaluated: 2024-04-16. Review status: criteria provided, single submitter. Criteria: ACMG Guidelines, 2015. Collection method: clinical testing. Allele origin: germline.

Blueprint Genetics
Classification: Likely benign. Last evaluated: 2024-03-19. Review status: criteria provided, single submitter. Criteria: ACMG Guidelines, 2015. Collection method: clinical testing. Allele origin: germline.

Ambry Genetics
Classification: Likely benign for Hereditary cancer-predisposing syndrome. Last evaluated: 2020-10-12. Review status: criteria provided, single submitter. Criteria: Ambry Variant Classification Scheme 2023. Collection method: clinical testing. Allele origin: germline.